The following is an entry in ClinVar:

ClinVar aggregate classification (germline): Conflicting classifications of pathogenicity. Review status: criteria provided, conflicting classifications (1 of 4 stars). 2 submissions from 2 submitters: Uncertain significance (1); Likely benign (1). Last evaluated 2023-11-14.

Conditions:
Developmental and epileptic encephalopathy 94 (DEE94). Also called: CHD2-Related Neurodevelopmental Disorders; Epileptic encephalopathy, childhood-onset. Identifiers: Orphanet 1942, Orphanet 2382, MedGen C3809278, MONDO:0014150, OMIM 615369.

Submissions (2):

GeneDx
Classification: Likely benign. Last evaluated: 2023-11-14. Review status: criteria provided, single submitter. Criteria: GeneDx Variant Classification Process June 2021. Collection method: clinical testing. Allele origin: germline. Affected: yes.
Comment: See Variant Classification Assertion Criteria.

Labcorp Genetics (formerly Invitae), Labcorp
Classification: Uncertain significance for Developmental and epileptic encephalopathy 94. Last evaluated: 2022-10-08. Review status: criteria provided, single submitter. Criteria: Invitae Variant Classification Sherloc (09022015). Collection method: clinical testing. Allele origin: germline.
Comment: In summary, the available evidence is currently insufficient to determine the role of this variant in disease. Therefore, it has been classified as a Variant of Uncertain Significance. Advanced modeling of protein sequence and biophysical properties (such as structural, functional, and spatial information, amino acid conservation, physicochemical variation, residue mobility, and thermodynamic stability) performed at Invitae indicates that this missense variant is not expected to disrupt CHD2 protein function. This variant has not been reported in the literature in individuals affected with CHD2-related conditions. This variant is not present in population databases (gnomAD no frequency). This sequence change replaces lysine, which is basic and polar, with glutamic acid, which is acidic and polar, at codon 349 of the CHD2 protein (p.Lys349Glu).

NM_001271.4(CHD2):c.1045A>G (p.Lys349Glu)

Gene: CHD2 (chromodomain helicase DNA binding protein 2; plus strand). Cytogenetic location: 15q26.1.
Variant type: single nucleotide variant.
Coding change: c.1045A>G on transcript NM_001271.4 (MANE Select); coding-DNA position 1045, A replaced by G.
Protein change: p.Lys349Glu; replaces lysine 349 with glutamic acid.
Molecular consequence: missense variant.
Genome position (GRCh38, 1-based): chr15:92,943,061, A>G. VCF-style: chr15-92943061-A-G. GRCh37 (hg19) VCF-style: chr15-93486291-A-G.
Other names: c.1045A>G, p.Lys349Glu (NM_001042572.3); short protein forms K349E.
Identifiers: ClinVar variation 1713826 (VCV001713826.8), dbSNP rs1487229845, ClinGen allele CA393902314.
Genomic context (GRCh38, chr15:92,943,061, plus strand): 5'-CAACAGAAAGTGAAGGGCCTAAAAAAACTAGAGAACTTCAAGAAAAAAGAGGACGAAATC[A>G]AACAATGGTATATTTTCCATCATGGATTAAAGAAATGTATTTGCAGCCTGAAAGAAGGGA-3'
Protein context (NP_001262.3, residues 339-359): ENFKKKEDEI[Lys349Glu]QWLGKVSPED